The following is an entry in ClinVar:

ClinVar aggregate classification (germline): Uncertain significance. Review status: criteria provided, single submitter (1 of 4 stars). 2 submissions from 2 submitters: Uncertain significance (1). 1 of the submissions does not count toward it. Last evaluated 2022-04-26.

Conditions:
Tay-Sachs disease (TSD). Also called: GM2 gangliosidosis, type 1; Hexosaminidase alpha-subunit deficiency (variant B); Sphingolipidosis, Tay-Sachs; HEXA Disorders; HEXA DEFICIENCY; Hexosaminidase A Deficiency. Identifiers: Orphanet 845, MedGen C0039373, MONDO:0010100, OMIM 272800.

Allele frequency attached by ClinVar (database versions not stated): gnomAD exomes below 0.00001; gnomAD 0.00001; TOPMed 0.00001.
gnomAD v4.1: 2 of 1,611,568 alleles (0.00012%); highest among the groups gnomAD compares: Admixed American, 0.0033%; no homozygotes.

Submissions (2):

Labcorp Genetics (formerly Invitae), Labcorp
Classification: Uncertain significance for Tay-Sachs disease. Last evaluated: 2022-04-26. Review status: criteria provided, single submitter. Criteria: Invitae Variant Classification Sherloc (09022015). Collection method: clinical testing. Allele origin: germline.
Comment: This sequence change replaces cysteine, which is neutral and slightly polar, with glycine, which is neutral and non-polar, at codon 125 of the HEXA protein (p.Cys125Gly). This variant is present in population databases (no rsID available, gnomAD 0.003%). This variant has not been reported in the literature in individuals affected with HEXA-related conditions. ClinVar contains an entry for this variant (Variation ID: 848178). Algorithms developed to predict the effect of missense changes on protein structure and function are either unavailable or do not agree on the potential impact of this missense change (SIFT: "Tolerated"; PolyPhen-2: "Possibly Damaging"; Align-GVGD: "Class C0"). In summary, the available evidence is currently insufficient to determine the role of this variant in disease. Therefore, it has been classified as a Variant of Uncertain Significance.

Natera, Inc.
Classification: Uncertain significance for Tay-Sachs disease. Last evaluated: 2018-12-23. Review status: no assertion criteria provided. Collection method: clinical testing. Allele origin: germline. Not counted in ClinVar's aggregate classification.

NM_000520.6(HEXA):c.373T>G (p.Cys125Gly)

Gene: HEXA (hexosaminidase subunit alpha; minus strand). Cytogenetic location: 15q23.
Variant type: single nucleotide variant.
Coding change: c.373T>G on transcript NM_000520.6 (MANE Select); coding-DNA position 373, T replaced by G.
Protein change: p.Cys125Gly; replaces cysteine 125 with glycine.
Molecular consequence: missense variant. On other transcripts: non-coding transcript variant (1).
Genome position (GRCh38, 1-based): chr15:72,355,598, A>C on the plus strand (T>G on the coding strand, the complement: HEXA is on the minus strand). VCF-style: chr15-72355598-A-C. GRCh37 (hg19) VCF-style: chr15-72647939-A-C.
Other names: c.406T>G, p.Cys136Gly (NM_001318825.2); short protein forms C125G, C136G.
Identifiers: ClinVar variation 848178 (VCV000848178.10), dbSNP rs1365750130, ClinGen allele CA393066727.